The following is an entry in ClinVar:

NM_000143.4(FH):c.639G>A (p.Lys213=)

Gene: FH (fumarate hydratase; minus strand). Cytogenetic location: 1q43.
Variant type: single nucleotide variant.
Coding change: c.639G>A on transcript NM_000143.4 (MANE Select); coding-DNA position 639, G replaced by A.
Protein change: p.Lys213=; no amino-acid change (lysine 213 retained).
Molecular consequence: synonymous variant.
Genome position (GRCh38, 1-based): chr1:241,508,702, C>T on the plus strand (G>A on the coding strand, the complement: FH is on the minus strand). VCF-style: chr1-241508702-C-T. GRCh37 (hg19) VCF-style: chr1-241672002-C-T.
Identifiers: ClinVar variation 460369 (VCV000460369.16), dbSNP rs377222193, ClinGen allele CA1478644.

ClinVar aggregate classification (germline): Benign/Likely benign. Review status: criteria provided, multiple submitters, no conflicts (2 of 4 stars). 4 submissions from 4 submitters: Benign (1); Likely benign (3). Last evaluated 2025-08-18.

Conditions:
Hereditary cancer-predisposing syndrome. Also called: Tumor predisposition; Hereditary neoplastic syndrome; Neoplastic Syndromes, Hereditary; Hereditary Cancer Syndrome. Identifiers: Orphanet 140162, MedGen C0027672, MeSH D009386, MONDO:0015356.
Hereditary leiomyomatosis and renal cell cancer. Also called: Familial leiomyomatosis; MULTIPLE CUTANEOUS AND UTERINE LEIOMYOMATA 1, WITH OR WITHOUT RENAL CELL CARCINOMA; Multiple cutaneous leiomyomas; Reed syndrome; Multiple cutaneous and uterine leiomyomatosis; Cutaneous leiomyomata with uterine leiomyomata. Identifiers: Orphanet 523, MedGen C1708350, MONDO:0007888, OMIM 150800, HP:0007437. Disease mechanism: loss of function.

Allele frequency attached by ClinVar (database versions not stated): gnomAD exomes below 0.00001; TOPMed below 0.00001; ExAC 0.00001; gnomAD 0.00001; ESP Exome Variant Server 0.00008.
gnomAD v4.1: 3 of 1,613,512 alleles (0.00019%); highest among the groups gnomAD compares: African/African-American, 0.0013%; no homozygotes.

Submissions (4):

Labcorp Genetics (formerly Invitae), Labcorp
Classification: Likely benign. Last evaluated: 2025-08-18. Review status: criteria provided, single submitter. Criteria: Invitae Variant Classification Sherloc (09022015). Collection method: clinical testing. Allele origin: germline.

Myriad Genetics, Inc.
Classification: Benign for Hereditary leiomyomatosis and renal cell cancer. Last evaluated: 2024-10-18. Review status: criteria provided, single submitter. Criteria: Myriad Autosomal Dominant, Autosomal Recessive and X-Linked Classification Criteria (2023). Collection method: clinical testing. Allele origin: unknown.
Comment: This variant is considered benign. This variant is a silent/synonymous amino acid change and it is not expected to impact splicing.

Ambry Genetics
Classification: Likely benign for Hereditary cancer-predisposing syndrome. Last evaluated: 2020-11-16. Review status: criteria provided, single submitter. Criteria: Ambry Variant Classification Scheme 2023. Collection method: clinical testing. Allele origin: germline.

GeneDx
Classification: Likely benign. Last evaluated: 2018-04-30. Review status: criteria provided, single submitter. Criteria: GeneDx Variant Classification (06012015). Collection method: clinical testing. Allele origin: germline. Affected: yes.
Comment: This variant is considered likely benign or benign based on one or more of the following criteria: it is a conservative change, it occurs at a poorly conserved position in the protein, it is predicted to be benign by multiple in silico algorithms, and/or has population frequency not consistent with disease.